The following is an entry in ClinVar:

ClinVar aggregate classification (germline): Likely pathogenic (1 of 4 stars; one submission).

Conditions:
Ichthyosis and erythrokeratoderma.

Submission:

Genetics Laboratory, Great Ormond Street Hospital NHS Foundation Trust, North Thames Genomic Laboratory Hub
Classification: Likely pathogenic for Ichthyosis and erythrokeratoderma. Last evaluated: 2025-12-16. Review status: criteria provided, single submitter. Criteria: ACGS Best Practice Guidelines for Variant Classification in Rare Disease 2024 v1.2. Collection method: clinical testing. Allele origin: germline. Affected: yes.
Comment: PS4_moderate, PM2_moderate, PP3_supporting, PS3_supporting, PM6_supporting

NM_024009.3(GJB3):c.134G>A (p.Gly45Glu)

Gene: GJB3 (gap junction protein beta 3; plus strand). Cytogenetic location: 1p34.3.
Variant type: single nucleotide variant.
Coding change: c.134G>A on transcript NM_024009.3 (MANE Select); coding-DNA position 134, G replaced by A.
Protein change: p.Gly45Glu; replaces glycine 45 with glutamic acid.
Molecular consequence: missense variant.
Genome position (GRCh38, 1-based): chr1:34,784,896, G>A. VCF-style: chr1-34784896-G-A. GRCh37 (hg19) VCF-style: chr1-35250497-G-A.
Other names: c.134G>A, p.Gly45Glu (NM_001005752.2); short protein forms G45E.
Identifiers: ClinVar variation 4782314 (VCV004782314.1).
Genomic context (GRCh38, chr1:34,784,896, plus strand): 5'-TGTCCGTGGTGTTCGTCTTCCGGGTGCTGGTATACGTGGTGGCTGCAGAGCGCGTGTGGG[G>A]GGATGAGCAGAAGGACTTTGACTGCAACACCAAGCAGCCCGGCTGCACCAACGTCTGCTA-3'
Protein context (NP_076872.1, residues 35-55): VYVVAAERVW[Gly45Glu]DEQKDFDCNT